The following is an entry in ClinVar:

NM_006516.4(SLC2A1):c.277C>T (p.Arg93Trp)

Gene: SLC2A1 (solute carrier family 2 member 1; minus strand). Cytogenetic location: 1p34.2.
Variant type: single nucleotide variant.
Coding change: c.277C>T on transcript NM_006516.4 (MANE Select); coding-DNA position 277, C replaced by T.
Protein change: p.Arg93Trp; replaces arginine 93 with tryptophan.
Molecular consequence: missense variant.
Genome position (GRCh38, 1-based): chr1:42,930,865, G>A on the plus strand (C>T on the coding strand, the complement: SLC2A1 is on the minus strand). VCF-style: chr1-42930865-G-A. GRCh37 (hg19) VCF-style: chr1-43396536-G-A.
Other names: short protein forms R93W.
Identifiers: ClinVar variation 16117 (VCV000016117.29), dbSNP rs267607061, ClinGen allele CA019133.
Genomic context (GRCh38, chr1:42,930,865, plus strand): 5'-AGAAGCCCATGAGCACGGCGGACACGAAGGCCAGCAGGTTCATCATCAGCATTGAATTCC[G>A]CCTGGGGACGGGGTCACAGGTCAGGCCAGTGCCCACATTCCTTGGGCTCCGAGGGGCTGG-3'
Protein context (NP_006507.2, residues 83-103): VGLFVNRFGR[Arg93Trp]NSMLMMNLLA

ClinVar aggregate classification (germline): Pathogenic. Review status: criteria provided, multiple submitters, no conflicts (2 of 4 stars). 12 submissions from 12 submitters: Pathogenic (9). 3 of the submissions do not count toward it. Last evaluated 2026-03-06.

Conditions:
SLC2A1-related disorder. Also called: SLC2A1-related condition; SLC2A1-related disorders.
Encephalopathy due to GLUT1 deficiency. Also called: GLUCOSE TRANSPORT DEFECT, BLOOD-BRAIN BARRIER; GLUT1 deficiency syndrome 1; GLUT1 deficiency syndrome 1, infantile onset, severe; De Vivo disease; Glucose transporter protein syndrome; Classic Glucose Transporter Type 1 Deficiency Syndrome. Identifiers: Orphanet 71277, MedGen C4551966, MONDO:0011724, OMIM 606777.
GLUT1 deficiency syndrome. Also called: Glucose transporter type 1 deficiency syndrome; GLUT1 DS. Identifiers: MedGen C1847501, MONDO:0000188.
Seizure. Also called: Seizures. Identifiers: MedGen C0036572, HP:0001250.
Childhood onset GLUT1 deficiency syndrome 2. Also called: Paroxysmal exercise-induced dystonia; Exertion-induced paroxysmal dyskinesia; GLUT1 deficiency syndrome 2; PxMD-SLC2A1; PAROXYSMAL EXERCISE-INDUCED DYSKINESIA WITH OR WITHOUT EPILEPSY AND/OR HEMOLYTIC ANEMIA; PAROXYSMAL EXERTION-INDUCED DYSTONIA WITH OR WITHOUT EPILEPSY AND/OR HEMOLYTIC ANEMIA. Identifiers: Orphanet 98811, MedGen C1842534, MONDO:0012805, OMIM 612126.
GLUT1 deficiency syndrome 1, autosomal recessive. Identifiers: MedGen C3149117.
Inborn genetic diseases. Identifiers: MedGen C0950123, MeSH D030342.

Allele frequency attached by ClinVar (database versions not stated): gnomAD exomes below 0.00001; gnomAD 0.00001.

Submissions (12):

Ambry Genetics
Classification: Pathogenic for Inborn genetic diseases. Last evaluated: 2026-03-06. Review status: criteria provided, single submitter. Criteria: Ambry Variant Classification Scheme 2023. Collection method: clinical testing. Allele origin: germline.
Comment: The c.277C>T (p.R93W) alteration is located in exon 4 (coding exon 4) of the SLC2A1 gene. This alteration results from a C to T substitution at nucleotide position 277, causing the arginine (R) at amino acid position 93 to be replaced by a tryptophan (W). Based on data from gnomAD, the T allele has an overall frequency of 0.003% (1/31368) total alleles studied. The highest observed frequency was 0.029% (1/3468) of European (Finnish) alleles. This variant was reported in individual(s) with features consistent with GLUT1 deficiency syndrome; in at least one individual, it was determined to be de novo (Rotstein, 2009; Ramm-Pettersen, 2013; Han, 2025). This amino acid position is well conserved in available vertebrate species. This alteration is predicted to be deleterious by in silico analysis. Based on the available evidence, this alteration is classified as pathogenic.

3billion
Classification: Pathogenic for Childhood onset GLUT1 deficiency syndrome 2. Last evaluated: 2025-03-19. Review status: criteria provided, single submitter. Criteria: ACMG Guidelines, 2015. Collection method: clinical testing. Allele origin: germline. Affected: yes.
Comment: The variant is observed at an extremely low frequency in the gnomAD v4.1.0 dataset (total allele frequency: <0.001%). Predicted Consequence/Location: Missense variant In silico tool predictions suggest damaging effect of the variant on gene or gene product [REVEL: 0.74 (>=0.6, sensitivity 0.68 and specificity 0.92); 3Cnet: 0.99 (> 0.75, sensitivity 0.96 and precision 0.92)]. The same nucleotide change resulting in the same amino acid change has been previously reported as pathogenic/likely pathogenic with strong evidence (ClinVar ID: VCV000016117 / PMID: 19996082). The variant has been previously reported as assumed (i.e. paternity and maternity not confirmed) de novo in at least one similarly affected unrelated individual (PMID: 19996082). A different missense change at the same codon (p.Arg93Gln) has been reported to be associated with SLC2A1-related disorder (ClinVar ID: VCV000623684 / PMID: 22190371). However the evidence of pathogenicity is insufficient at this time. Therefore, this variant is classified as Pathogenic according to the recommendation of ACMG/AMP guideline.

GeneDx
Classification: Pathogenic. Last evaluated: 2025-03-14. Review status: criteria provided, single submitter. Criteria: GeneDx Variant Classification Process June 2021. Collection method: clinical testing. Allele origin: germline. Affected: yes.
Comment: Reported previously in a mother and her two children with variable features ranging from mild to severe intellectual disability, ataxia, chorea, and/or seizures (PMID: 20129935); Published functional studies suggest that this variant is associated with reduced glucose uptake (PMID: 18387950); This variant is associated with the following publications: (PMID: 18403583, 29303961, 31302675, 23448551, 23106342, 24847886, 24824604, 26986070, 21445818, 33163569, 31440721, 36054588, 20129935, 18387950, 19996082)

Victorian Clinical Genetics Services, Murdoch Childrens Research Institute
Classification: Pathogenic for GLUT1 deficiency syndrome. Last evaluated: 2025-01-15. Review status: criteria provided, single submitter. Criteria: ACMG Guidelines, 2015. Collection method: clinical testing. Allele origin: germline. Affected: yes.
Comment: This variant is classified as Pathogenic. Evidence in support of pathogenic classification: Variant is present in gnomAD <0.001 for a dominant condition (v4: 2 heterozygote(s), 0 homozygote(s)) ; This variant has strong previous evidence of pathogenicity in unrelated individuals. This variant has been classified as pathogenic or likely pathogenic by multiple clinical laboratories and reported in the literature in individuals with GLUT1 deficiency/alternating hemiplegia of childhood (PMIDs: 23448551, 19996082); Missense variant predicted to be damaging by in silico tool(s) or highly conserved with a major amino acid change; Additional information: Variant is predicted to result in a missense amino acid change from arginine to tryptophan; This variant is heterozygous; This gene is associated with autosomal dominant disease. Most individuals have autosomal dominant disease; however, rare cases have been described with an autosomal recessive mode of inheritance (PMID: 31196579); Variant is located in the annotated sugar (and other) transporter domain (DECIPHER); Loss of function is a known mechanism of disease in this gene and is associated with SLC2A1-related disease (OMIM); The condition associated with this gene has incomplete penetrance. Incomplete penetrance has been reported in families with GLUT1 deficiency syndrome or epilepsy, who were heterozygous for pathogenic missense variants (OMIM, PMID: 18451999); Variants in this gene are known to have variable expressivity (PMID: 20129935).

Labcorp Genetics (formerly Invitae), Labcorp
Classification: Pathogenic for GLUT1 deficiency syndrome 1, autosomal recessive. Last evaluated: 2024-11-04. Review status: criteria provided, single submitter. Criteria: Invitae Variant Classification Sherloc (09022015). Collection method: clinical testing. Allele origin: germline.
Comment: This sequence change replaces arginine, which is basic and polar, with tryptophan, which is neutral and slightly polar, at codon 93 of the SLC2A1 protein (p.Arg93Trp). The frequency data for this variant in the population databases is considered unreliable, as metrics indicate poor data quality at this position in the gnomAD database. This missense change has been observed in individual(s) with low cerebral spinal fluid blood glucose concentrations, findings that are highly specific for GLUT1 deficiency syndrome (PMID: 18403583, 19996082, 20129935, 23106342, 23448551). In at least one individual the variant was observed to be de novo. It has also been observed to segregate with disease in related individuals. ClinVar contains an entry for this variant (Variation ID: 16117). An algorithm developed to predict the effect of missense changes on protein structure and function (PolyPhen-2) suggests that this variant is likely to be disruptive. For these reasons, this variant has been classified as Pathogenic.

Genome-Nilou Lab
Classification: Pathogenic for Encephalopathy due to GLUT1 deficiency. Last evaluated: 2023-04-11. Review status: criteria provided, single submitter. Criteria: ACMG Guidelines, 2015. Collection method: clinical testing. Allele origin: germline. Affected: no.

PreventionGenetics, part of Exact Sciences
Classification: Pathogenic for SLC2A1-related condition. Last evaluated: 2022-08-18. Review status: criteria provided, single submitter. Criteria: ACMG Guidelines, 2015. Collection method: clinical testing. Allele origin: germline.
Comment: The SLC2A1 c.277C>T variant is predicted to result in the amino acid substitution p.Arg93Trp. This variant has been reported in multiple individuals with GLUT1 deficiency (Joshi et al. 2008. PubMed ID: 18403583; Arsov et al. 2012. PubMed ID: 23106342; Ramm-Pettersen et al. 2013. PubMed ID: 23448551; Supplemental Table for Symonds et al. 2019. PubMed ID: 31302675) and an individual with alternating hemiplegia of childhood (Rotstein et al, 2009. PubMed ID: 19996082). An alternate substitution of the same amino acid has also been reported in association with GLUT1 deficiency (Magrinelli et al. 2020. PubMed ID: 32753446). In a functional study, the p.Arg93Trp substitution was reported to reduce glucose transport in erythrocytes (Pascual et al. 2008. PubMed ID: 18387950) This variant is reported in 0.029% of alleles in individuals of European (Finnish) descent in gnomAD (1 of 31,368 total alleles in gnomAD). This variant is interpreted as pathogenic or likely pathogenic by multiple independent submitters to ClinVar. Based on the collective evidence, this variant is interpreted as pathogenic.

Cytogénomique, Hospices Civils de Lyon
Classification: Pathogenic for Seizure. Last evaluated: 2021-08-03. Review status: criteria provided, single submitter. Criteria: ACMG Guidelines, 2015. Collection method: clinical testing. Allele origin: de novo. Inheritance: Sporadic. Affected: yes. Observed: 1 variant allele, 1 heterozygote.

New York Genome Center
Classification: Pathogenic for Encephalopathy due to GLUT1 deficiency. Last evaluated: 2019-09-10. Review status: criteria provided, single submitter. Criteria: NYGC Assertion Criteria 2020. Collection method: clinical testing. Allele origin: germline. Inheritance: Autosomal dominant inheritance. Observed: 1 heterozygote. Study: CSER-NYCKidSeq.
Comment: The variant c.277C>T, p.Arg93Trp has been reported in multiple individuals with GLUT1 deficiency syndrome [MIM#606777] [PMID: 24847886; PMID: 2344855; PMID:23106342; PMID: 19996082]. This mutation is located in the first cytosolic loop of the protein [PMID: 19996082]. The variant has 0.003% allele frequency in the gnomAD database (1 out of 31,368 heterozygous alleles) indicating this is a rare variant and in silico tool predicts the variant is expected to be deleterious. Functional studies suggest that the variant results in reduced glucose uptake [PMID: 18387950]. Based on the available evidence, the variant c.277C>T, p.Arg93Trp in the SLC2A1 gene is classified as pathogenic.

OMIM
Classification: Pathogenic for GLUT1 DEFICIENCY SYNDROME 2. Last evaluated: 2009-12-08. Review status: no assertion criteria provided. Collection method: literature only. Allele origin: germline. Not counted in ClinVar's aggregate classification.

Diagnostic Laboratory, Department of Genetics, University Medical Center Groningen
Classification: Pathogenic. Review status: no assertion criteria provided. Collection method: clinical testing. Allele origin: germline. Affected: yes. Study: VKGL Data-share Consensus. Not counted in ClinVar's aggregate classification.

Joint Genome Diagnostic Labs from Nijmegen and Maastricht, Radboudumc and MUMC+
Classification: Likely pathogenic. Review status: no assertion criteria provided. Collection method: clinical testing. Allele origin: germline. Affected: yes. Study: VKGL Data-share Consensus. Not counted in ClinVar's aggregate classification.

Literature cited by the submitters: PubMed 19996082 (cited by 6 submitters); PubMed 23448551 (cited by 3 submitters); PubMed 40243517 (cited by Ambry Genetics); PubMed 22190371 (cited by 3billion); PubMed 20129935 (cited by Victorian Clinical Genetics Services, Murdoch Childrens Research Institute and Labcorp Genetics (formerly Invitae), Labcorp); PubMed 18451999 (cited by Victorian Clinical Genetics Services, Murdoch Childrens Research Institute); PubMed 31196579 (cited by Victorian Clinical Genetics Services, Murdoch Childrens Research Institute); PubMed 18403583 (cited by Labcorp Genetics (formerly Invitae), Labcorp and OMIM); PubMed 23106342 (cited by Labcorp Genetics (formerly Invitae), Labcorp and New York Genome Center); PubMed 24847886 (cited by New York Genome Center); PubMed 2344855 (cited by New York Genome Center).